The following is an entry in ClinVar:

NM_000038.6(APC):c.6861G>T (p.Arg2287Ser)

Gene: APC (APC regulator of Wnt signaling pathway; plus strand). Cytogenetic location: 5q22.2.
Variant type: single nucleotide variant.
Coding change: c.6861G>T on transcript NM_000038.6 (MANE Select); coding-DNA position 6861, G replaced by T.
Protein change: p.Arg2287Ser; replaces arginine 2287 with serine.
Molecular consequence: missense variant. On other transcripts: non-coding transcript variant (2).
Genome position (GRCh38, 1-based): chr5:112,842,455, G>T. VCF-style: chr5-112842455-G-T. GRCh37 (hg19) VCF-style: chr5-112178152-G-T.
Other names: c.6861G>T, p.Arg2287Ser (NM_001127510.3, NM_001354895.2, NM_001407450.1); c.6807G>T, p.Arg2269Ser (NM_001127511.3); c.6915G>T, p.Arg2305Ser (NM_001354896.2, NM_001407447.1, NM_001407448.1 and 1 more transcripts); c.6891G>T, p.Arg2297Ser (NM_001354897.2); c.6786G>T, p.Arg2262Ser (NM_001354898.2); c.6777G>T, p.Arg2259Ser (NM_001354899.2); c.6738G>T, p.Arg2246Ser (NM_001354900.2); c.6684G>T, p.Arg2228Ser (NM_001354901.2, NM_001407453.1); and 11 more; short protein forms R1903S, R2004S, R2127S, R2158S, R2161S, R2186S, R2196S, R2204S.
Identifiers: ClinVar variation 4860902 (VCV004860902.1).
Genomic context (GRCh38, chr5:112,842,455, plus strand): 5'-CACCACTTCTCCTAGAGGAGCCAAGCCATCTGTGAAATCAGAATTAAGCCCTGTTGCCAG[G>T]CAGACATCCCAAATAGGTGGGTCAAGTAAAGCACCTTCTAGATCAGGATCTAGAGATTCG-3'
Protein context (NP_000029.2, residues 2277-2297): SVKSELSPVA[Arg2287Ser]QTSQIGGSSK

ClinVar aggregate classification (germline): Uncertain significance (1 of 4 stars; one submission).

Conditions:
Hereditary cancer-predisposing syndrome. Also called: Neoplastic Syndromes, Hereditary; Tumor predisposition; Hereditary Cancer Syndrome; Hereditary neoplastic syndrome. Identifiers: Orphanet 140162, MedGen C0027672, MeSH D009386, MONDO:0015356.

gnomAD v4.1: 1 of 1,613,958 alleles (0.000062%); highest among the groups gnomAD compares: Non-Finnish European, 0.000085%; no homozygotes.

Submission:

Ambry Genetics
Classification: Uncertain significance for Hereditary cancer-predisposing syndrome. Last evaluated: 2026-03-23. Review status: criteria provided, single submitter. Criteria: Ambry Variant Classification Scheme 2023. Collection method: clinical testing. Allele origin: germline.
Comment: The p.R2287S variant (also known as c.6861G>T), located in coding exon 15 of the APC gene, results from a G to T substitution at nucleotide position 6861. The arginine at codon 2287 is replaced by serine, an amino acid with dissimilar properties. This amino acid position is conserved. In addition, in silico predictors for this gene do not accurately predict pathogenicity. Based on the available evidence, the clinical significance of this variant remains unclear.